The following is an entry in ClinVar:

NM_000277.3(PAH):c.439C>T (p.Pro147Ser)

Gene: PAH (phenylalanine hydroxylase; minus strand). Cytogenetic location: 12q23.2.
Variant type: single nucleotide variant.
Coding change: c.439C>T on transcript NM_000277.3 (MANE Select); coding-DNA position 439, C replaced by T.
Protein change: p.Pro147Ser; replaces proline 147 with serine.
Molecular consequence: missense variant.
Genome position (GRCh38, 1-based): chr12:102,877,464, G>A on the plus strand (C>T on the coding strand, the complement: PAH is on the minus strand). VCF-style: chr12-102877464-G-A. GRCh37 (hg19) VCF-style: chr12-103271242-G-A.
Other names: c.439C>T, p.Pro147Ser (NM_001354304.2); c.439C>T (NM_000277.2); short protein forms P147S.
Identifiers: ClinVar variation 102669 (VCV000102669.16), dbSNP rs199475624, ClinGen allele CA229541.

ClinVar aggregate classification (germline): Likely pathogenic. Review status: reviewed by expert panel (3 of 4 stars). 11 submissions from 11 submitters: Likely pathogenic (1). 10 of the submissions do not count toward it. Last evaluated 2020-10-15.

Conditions:
Phenylketonuria (PKU). Also called: Phenylketonuria (PKU); FOLLING DISEASE; OLIGOPHRENIA PHENYLPYRUVICA; Phenylketonurias. Identifiers: Orphanet 716, MedGen C0031485, MONDO:0009861, OMIM 261600. Disease mechanism: loss of function.

Allele frequency attached by ClinVar (database versions not stated): TOPMed 0.00001; gnomAD exomes below 0.00001.
gnomAD v4.1: 3 of 1,612,070 alleles (0.00019%); highest among the groups gnomAD compares: Admixed American, 0.0017%; no homozygotes.

Submissions (11):

ClinGen PAH Variant Curation Expert Panel
Classification: Likely pathogenic for Phenylketonuria. Last evaluated: 2020-10-15. Review status: reviewed by expert panel. Criteria: ClinGen PAH ACMG Specifications v1. Collection method: curation. Allele origin: germline. Inheritance: Autosomal recessive inheritance.
Comment: This c.439C>T (p.Pro147Ser) variant in PAH was reported in at least 5 patients with PAH deficiency, detected with pathogenic variants p.Arg243Gln (PMID: 27121329), p.S349P (PMID: 15589814), c.1045T>C, c.782G>A (PMID: 24941924) and p.A403V (PMID: 10234516). DHPR activity, biopterin and/or pteridine analysis was performed to rule out other causes of hyperphenylalaninemia (PMID: 27121329). This variant is present at an extremely low frequency in gnomAD (MAF=0.00003). Computational evidence for this missense variant supports a deleterious effect. In summary, this variant meets criteria to be classified as likely pathogenic for PAH. PAH-specific ACMG/AMP criteria applied: PM3_strong, PM2, PP4_moderate, PP3.

GeneDx
Classification: Pathogenic. Last evaluated: 2026-03-15. Review status: criteria provided, single submitter. Criteria: GeneDx Variant Classification Process June 2021. Collection method: clinical testing. Allele origin: germline. Not counted in ClinVar's aggregate classification.
Comment: Not observed at significant frequency in large population cohorts (gnomAD); In silico analysis supports that this missense variant has a deleterious effect on protein structure/function; This variant is associated with the following publications: (PMID: 15589814, 8981952, 31589614, 32668217, 27121329, 32778825, 34828281, 10234516, 24941924, 35502621, 35281663)

Labcorp Genetics (formerly Invitae), Labcorp
Classification: Pathogenic for Phenylketonuria. Last evaluated: 2025-10-27. Review status: criteria provided, single submitter. Criteria: Invitae Variant Classification Sherloc (09022015). Collection method: clinical testing. Allele origin: germline. Not counted in ClinVar's aggregate classification.
Comment: This sequence change replaces proline, which is neutral and non-polar, with serine, which is neutral and polar, at codon 147 of the PAH protein (p.Pro147Ser). This variant is present in population databases (rs199475624, gnomAD 0.003%). This missense change has been observed in individual(s) with PAH-related conditions (PMID: 10598814, 27121329). ClinVar contains an entry for this variant (Variation ID: 102669). An algorithm developed to predict the effect of missense changes on protein structure and function (PolyPhen-2) suggests that this variant is likely to be disruptive. This variant disrupts the p.Pro147 amino acid residue in PAH. Other variant(s) that disrupt this residue have been determined to be pathogenic (PMID: 26322415, 27121329, 31355225). This suggests that this residue is clinically significant, and that variants that disrupt this residue are likely to be disease-causing. For these reasons, this variant has been classified as Pathogenic.

Myriad Genetics, Inc.
Classification: Likely pathogenic for Phenylketonuria. Last evaluated: 2025-05-05. Review status: criteria provided, single submitter. Criteria: Myriad Autosomal Dominant, Autosomal Recessive and X-Linked Classification Criteria (2023). Collection method: clinical testing. Allele origin: unknown. Not counted in ClinVar's aggregate classification.
Comment: NM_000277.1(PAH):c.439C>T(P147S) is a missense variant classified as likely pathogenic in the context of phenylalanine hydroxylase deficiency. P147S has been observed in cases with relevant disease (PMID: 27121329, 10234516, 15589814, 24941924). Relevant functional assessments of this variant are not available in the literature. P147S has been observed in referenced population frequency databases. In summary, NM_000277.1(PAH):c.439C>T(P147S) is a missense variant that has been observed more frequently in cases with the relevant disease than in healthy populations. Please note: this variant was assessed in the context of healthy population screening.

Natera, Inc.
Classification: Likely pathogenic for Phenylketonuria. Last evaluated: 2024-12-27. Review status: criteria provided, single submitter. Criteria: Natera Variant Classification Schema (03/2026). Collection method: clinical testing. Allele origin: germline. Not counted in ClinVar's aggregate classification.
Comment: The c.439C>T variant in PAH is a missense variant predicted to cause substitution of proline to serine at amino acid 147. This variant is rare in the general population with a frequency below the threshold expected for the associated phenotype(s). This variant has been observed in one or more individuals affected with the associated recessive disease, as either homozygous or compound heterozygous with a second variant (PMID: 10234516, 23690520, 23942198, 32668217). A different variant at the same position has been determined to be Pathogenic or Likely Pathogenic. Computational prediction algorithms indicate this variant is likely to affect gene or protein function. Given the available evidence, this variant is classified as Likely Pathogenic.

Baylor Genetics
Classification: Pathogenic for Phenylketonuria. Last evaluated: 2024-03-18. Review status: criteria provided, single submitter. Criteria: ACMG Guidelines, 2015. Collection method: clinical testing. Allele origin: unknown. Not counted in ClinVar's aggregate classification.

3billion
Classification: Pathogenic for Phenylketonuria. Last evaluated: 2023-02-23. Review status: criteria provided, single submitter. Criteria: ACMG Guidelines, 2015. Collection method: clinical testing. Allele origin: unknown. Affected: yes. Not counted in ClinVar's aggregate classification.
Comment: The variant is observed at an extremely low frequency in the gnomAD v2.1.1 dataset (total allele frequency: <0.001%). The variant is located in a mutational hot spot and/or well-established functional domain in which established pathogenic variants have been reported. Missense changes are a common disease-causing mechanism. In silico tool predictions suggest damaging effect of the variant on gene or gene product (REVEL: 0.96; 3Cnet: 1.00). Same nucleotide change resulting in same amino acid change has been previously reported as pathogenic/likely pathogenic with strong evidence (ClinVar ID: VCV000102669). The variant has been reported to be in trans with a pathogenic variant as either compound heterozygous or homozygous in at least 2 similarly affected unrelated individuals (PMID: 10234516, 15589814, 24941924, 27121329). A different missense change at the same codon (p.Pro147Leu) has been reported as pathogenic/likely pathogenic with strong evidence (ClinVar ID: VCV000102670). Therefore, this variant is classified as Pathogenic according to the recommendation of ACMG/AMP guideline.

Fulgent Genetics
Classification: Pathogenic for Phenylketonuria. Last evaluated: 2022-02-16. Review status: criteria provided, single submitter. Criteria: ACMG Guidelines, 2015. Collection method: clinical testing. Allele origin: unknown. Not counted in ClinVar's aggregate classification.

Quest Diagnostics Nichols Institute San Juan Capistrano
Classification: Likely pathogenic. Last evaluated: 2020-12-30. Review status: criteria provided, single submitter. Criteria: Quest Diagnostics criteria. Collection method: clinical testing. Allele origin: unknown. Not counted in ClinVar's aggregate classification.
Comment: The variant has been reported in several symptomatic phenylketonuria patients in literature (PMIDs: 8981952 (1997), 10234516 (1999), 15589814 (2004), 24941924 (2015), and 27121329 (2016)). Analysis of this variant using bioinformatics tools for the prediction of the effect of amino acid changes on protein structure and function yielded predictions that this variant is disease causing and damaging. Based on the available information, the variant is predicted to be likely pathogenic.

Counsyl
Classification: Likely pathogenic for Phenylketonuria. Last evaluated: 2018-06-01. Review status: no assertion criteria provided. Collection method: clinical testing. Allele origin: unknown. Not counted in ClinVar's aggregate classification.

DeBelle Laboratory for Biochemical Genetics, MUHC/MCH RESEARCH INSTITUTE
No classification provided. Review status: no classification provided. Collection method: not provided. Allele origin: not provided. Not counted in ClinVar's aggregate classification.

Literature cited by the submitters: PubMed 10234516 (cited by 6 submitters); PubMed 24941924 (cited by 5 submitters); PubMed 27121329 (cited by 6 submitters); PubMed 15589814 (cited by 4 submitters); PubMed 10598814 (cited by Labcorp Genetics (formerly Invitae), Labcorp and Counsyl); PubMed 26322415 (cited by Labcorp Genetics (formerly Invitae), Labcorp); PubMed 31355225 (cited by Labcorp Genetics (formerly Invitae), Labcorp); PubMed 23690520 (cited by Natera, Inc.); PubMed 23942198 (cited by Natera, Inc.); PubMed 32668217 (cited by Natera, Inc.); PubMed 8981952 (cited by Quest Diagnostics Nichols Institute San Juan Capistrano).